The following is an entry in ClinVar:

ClinVar aggregate classification (germline): Uncertain significance (0 of 4 stars; one submission).

Submission:

Leiden Open Variation Database
Classification: Uncertain significance. Last evaluated: 2012-05-02. Review status: no assertion criteria provided. Collection method: curation. Allele origin: germline. Affected: yes.
Comment: Curator: Arleen D. Auerbach. Submitter to LOVD: Johan den Dunnen.

Literature cited by the submitters: PubMed 22464251.

NM_005431.2(XRCC2):c.283A>C (p.Ile95Leu)

Gene: XRCC2 (X-ray repair cross complementing 2; minus strand). Cytogenetic location: 7q36.1.
Variant type: single nucleotide variant.
Coding change: c.283A>C on transcript NM_005431.2 (MANE Select); coding-DNA position 283, A replaced by C.
Protein change: p.Ile95Leu; replaces isoleucine 95 with leucine.
Molecular consequence: missense variant.
Genome position (GRCh38, 1-based): chr7:152,649,202, T>G on the plus strand (A>C on the coding strand, the complement: XRCC2 is on the minus strand). VCF-style: chr7-152649202-T-G. GRCh37 (hg19) VCF-style: chr7-152346287-T-G.
Other names: short protein forms I95L.
Identifiers: ClinVar variation 929637 (VCV000929637.1), dbSNP rs140214637, ClinGen allele CA370199042.